The following is an entry in ClinVar:

NM_001039141.3(TRIOBP):c.1903A>G (p.Arg635Gly)

Gene: TRIOBP (TRIO and F-actin binding protein; plus strand). Cytogenetic location: 22q13.1.
Variant type: single nucleotide variant.
Coding change: c.1903A>G on transcript NM_001039141.3 (MANE Select); coding-DNA position 1903, A replaced by G.
Protein change: p.Arg635Gly; replaces arginine 635 with glycine.
Molecular consequence: missense variant.
Genome position (GRCh38, 1-based): chr22:37,724,459, A>G. VCF-style: chr22-37724459-A-G. GRCh37 (hg19) VCF-style: chr22-38120466-A-G.
Other names: short protein forms R635G.
Identifiers: ClinVar variation 2187357 (VCV002187357.2), dbSNP rs199786329, ClinGen allele CA10223727.

ClinVar aggregate classification (germline): Uncertain significance. Review status: criteria provided, multiple submitters, no conflicts (2 of 4 stars). 2 submissions from 2 submitters: Uncertain significance (2). Last evaluated 2023-09-01.

Allele frequency attached by ClinVar (database versions not stated): ESP Exome Variant Server 0.00008; gnomAD 0.00010; TOPMed 0.00010; ExAC 0.00020; gnomAD exomes 0.00021.
gnomAD v4.1: 318 of 1,612,212 alleles (0.02%); highest among the groups gnomAD compares: Non-Finnish European, 0.025%; no homozygotes.

Submissions (2):

Blueprint Genetics
Classification: Uncertain significance. Last evaluated: 2023-09-01. Review status: criteria provided, single submitter. Criteria: ACMG Guidelines, 2015. Collection method: clinical testing. Allele origin: germline.

Labcorp Genetics (formerly Invitae), Labcorp
Classification: Uncertain significance. Last evaluated: 2022-08-15. Review status: criteria provided, single submitter. Criteria: Invitae Variant Classification Sherloc (09022015). Collection method: clinical testing. Allele origin: germline.
Comment: This sequence change replaces arginine, which is basic and polar, with glycine, which is neutral and non-polar, at codon 635 of the TRIOBP protein (p.Arg635Gly). This variant is present in population databases (rs199786329, gnomAD 0.03%). This variant has not been reported in the literature in individuals affected with TRIOBP-related conditions. Algorithms developed to predict the effect of missense changes on protein structure and function are either unavailable or do not agree on the potential impact of this missense change (SIFT: "Deleterious"; PolyPhen-2: "Possibly Damaging"; Align-GVGD: "Class C0"). In summary, the available evidence is currently insufficient to determine the role of this variant in disease. Therefore, it has been classified as a Variant of Uncertain Significance.